The following is an entry in ClinVar:

ClinVar aggregate classification (germline): Uncertain significance (1 of 4 stars; one submission).

Submission:

GeneDx
Classification: Uncertain significance. Last evaluated: 2022-05-03. Review status: criteria provided, single submitter. Criteria: GeneDx Variant Classification Process June 2021. Collection method: clinical testing. Allele origin: germline. Affected: yes.
Comment: Not observed in large population cohorts (gnomAD); In silico analysis supports that this missense variant has a deleterious effect on protein structure/function; Has not been previously published as pathogenic or benign to our knowledge; This variant is associated with the following publications: (PMID: 31109697)

NM_006218.4(PIK3CA):c.316G>A (p.Gly106Ser)

Gene: PIK3CA (phosphatidylinositol-4,5-bisphosphate 3-kinase catalytic subunit alpha; plus strand). Cytogenetic location: 3q26.32.
Variant type: single nucleotide variant.
Coding change: c.316G>A on transcript NM_006218.4 (MANE Select); coding-DNA position 316, G replaced by A.
Protein change: p.Gly106Ser; replaces glycine 106 with serine.
Molecular consequence: missense variant.
Genome position (GRCh38, 1-based): chr3:179,199,141, G>A. VCF-style: chr3-179199141-G-A. GRCh37 (hg19) VCF-style: chr3-178916929-G-A.
Other names: short protein forms G106S.
Identifiers: ClinVar variation 1708931 (VCV001708931.2), dbSNP rs1057519931, ClinGen allele CA355272676.
Genomic context (GRCh38, chr3:179,199,141, plus strand): 5'-ACAAGACGACTTTGTGACCTTCGGCTTTTTCAACCCTTTTTAAAAGTAATTGAACCAGTA[G>A]GCAACCGTGAAGAAAAGATCCTCAATCGAGAAATTGGTATGATACAATATCCTATTCTAA-3'
Protein context (NP_006209.2, residues 96-116): QPFLKVIEPV[Gly106Ser]NREEKILNRE